The following is an entry in ClinVar:

ClinVar aggregate classification (germline): Likely pathogenic (1 of 4 stars; one submission).

Conditions:
Autosomal recessive limb-girdle muscular dystrophy type 2J (LGMDR10). Also called: Limb-girdle muscular dystrophy, type 2J; MUSCULAR DYSTROPHY, LIMB-GIRDLE, AUTOSOMAL RECESSIVE 10. Identifiers: Orphanet 140922, MedGen C1837342, MONDO:0012127, OMIM 608807.
Dilated cardiomyopathy 1G (CMD1G). Identifiers: Orphanet 154, MedGen C1858763, MONDO:0011400, OMIM 604145.

Submission:

Labcorp Genetics (formerly Invitae), Labcorp
Classification: Likely pathogenic for Dilated cardiomyopathy 1G; Autosomal recessive limb-girdle muscular dystrophy type 2J. Last evaluated: 2025-10-05. Review status: criteria provided, single submitter. Criteria: Invitae Variant Classification Sherloc (09022015). Collection method: clinical testing. Allele origin: germline.
Comment: This sequence change creates a premature translational stop signal (p.Ile14525Asnfs*4) in the TTN gene. While this is not anticipated to result in nonsense mediated decay, it is expected to create a truncated TTN protein. This variant is not present in population databases (gnomAD no frequency). This variant has not been reported in the literature in individuals affected with TTN-related conditions. This variant is located in the I band of TTN (PMID: 25589632). Truncating variants in this region have been reported in individuals affected with autosomal recessive centronuclear myopathy (PMID: 23975875, internal data). Truncating variants in this region have also been identified in individuals affected with autosomal dominant dilated cardiomyopathy and/or cardio-related conditions (PMID: 27869827, 32964742, internal data). In summary, the currently available evidence indicates that the variant is pathogenic, but additional data are needed to prove that conclusively. Therefore, this variant has been classified as Likely Pathogenic.

Literature cited by the submitters: PubMed 25589632; PubMed 23975875; PubMed 27869827; PubMed 32964742.

NM_001267550.2(TTN):c.43573dup (p.Ile14525fs)

Gene: TTN (titin; minus strand). Cytogenetic location: 2q31.2.
Variant type: Duplication.
Coding change: c.43573dup on transcript NM_001267550.2 (MANE Select); coding-DNA position 43573, one base duplicated (A; older notation c.43573dupA).
Protein change: p.Ile14525fs; shifts the reading frame from isoleucine 14525.
Molecular consequence: frameshift variant.
Genome position (GRCh38, 1-based): chr2:178,632,321, T duplicated on the plus strand (A on the coding strand, the reverse complement: TTN is on the minus strand). VCF-style (leftmost placement, unchanged base first): chr2-178632320-A-AT. GRCh37 (hg19) VCF-style: chr2-179497047-A-AT.
Other names: c.38650dup, p.Ile12884fs (NM_001256850.1); c.16378dup, p.Ile5460fs (NM_003319.4); c.35869dup, p.Ile11957fs (NM_133378.4); c.16753dup, p.Ile5585fs (NM_133432.3); c.16954dup, p.Ile5652fs (NM_133437.4); short protein forms I5460fs, I5585fs, I5652fs, I11957fs, I12884fs, I14525fs.
Identifiers: ClinVar variation 4786317 (VCV004786317.1).